The following is an entry in ClinVar:

ClinVar aggregate classification (germline): Conflicting classifications of pathogenicity. Review status: criteria provided, conflicting classifications (1 of 4 stars). 4 submissions from 4 submitters: Uncertain significance (3); Benign (1). Last evaluated 2025-09-03.

Conditions:
Hereditary breast ovarian cancer syndrome. Also called: Hereditary breast and ovarian cancer; Hereditary breast and/or ovarian cancer syndrome; Breast and ovarian cancer; BRCA1- and BRCA2-Associated Hereditary Breast and Ovarian Cancer; Hereditary breast and ovarian cancer syndrome; Hereditary breast and ovarian cancer syndrome (HBOC). Identifiers: Orphanet 145, MedGen C0677776, MeSH D061325, MONDO:0003582. Disease mechanism: loss of function.
Hereditary cancer-predisposing syndrome. Also called: Hereditary neoplastic syndrome; Tumor predisposition; Neoplastic Syndromes, Hereditary; Hereditary Cancer Syndrome. Identifiers: Orphanet 140162, MedGen C0027672, MeSH D009386, MONDO:0015356.
Familial cancer of breast. Also called: Hereditary breast cancer; hereditary breast carcinoma; BREAST CANCER, FAMILIAL. Identifiers: Orphanet 227535, MedGen C0346153, MONDO:0016419, OMIM 114480. Disease mechanism: loss of function.

Submissions (4):

Women's Health and Genetics/Laboratory Corporation of America, LabCorp
Classification: Uncertain significance. Last evaluated: 2025-09-03. Review status: criteria provided, single submitter. Criteria: LabCorp Variant Classification Summary - May 2015. Collection method: clinical testing. Allele origin: germline.
Comment: Variant summary: BRCA2 c.9340A>G (p.Ile3114Val) results in a conservative amino acid change in the encoded protein sequence. Algorithms developed to predict the effect of missense changes on protein structure and function all suggest that this variant is likely to be tolerated. The variant was absent in 251278 control chromosomes. The available data on variant occurrences in the general population are insufficient to allow any conclusion about variant significance. To our knowledge, no occurrence of c.9340A>G in individuals affected with BRCA2-related conditions and no experimental evidence demonstrating its impact on protein function have been reported. ClinVar contains an entry for this variant (Variation ID: 656571). Based on the evidence outlined above, the variant was classified as uncertain significance.

Ambry Genetics
Classification: Benign for Hereditary cancer-predisposing syndrome. Last evaluated: 2025-05-23. Review status: criteria provided, single submitter. Criteria: Ambry Variant Classification Scheme 2023. Collection method: clinical testing. Allele origin: germline.

Baylor Genetics
Classification: Uncertain significance for Familial cancer of breast. Last evaluated: 2023-06-19. Review status: criteria provided, single submitter. Criteria: ACMG Guidelines, 2015. Collection method: clinical testing. Allele origin: unknown.

Labcorp Genetics (formerly Invitae), Labcorp
Classification: Uncertain significance for Hereditary breast ovarian cancer syndrome. Last evaluated: 2022-02-19. Review status: criteria provided, single submitter. Criteria: Invitae Variant Classification Sherloc (09022015). Collection method: clinical testing. Allele origin: germline.
Comment: This sequence change replaces isoleucine, which is neutral and non-polar, with valine, which is neutral and non-polar, at codon 3114 of the BRCA2 protein (p.Ile3114Val). This variant is not present in population databases (gnomAD no frequency). This variant has not been reported in the literature in individuals affected with BRCA2-related conditions. ClinVar contains an entry for this variant (Variation ID: 656571). Advanced modeling of protein sequence and biophysical properties (such as structural, functional, and spatial information, amino acid conservation, physicochemical variation, residue mobility, and thermodynamic stability) performed at Invitae indicates that this missense variant is not expected to disrupt BRCA2 protein function. In summary, the available evidence is currently insufficient to determine the role of this variant in disease. Therefore, it has been classified as a Variant of Uncertain Significance.

NM_000059.4(BRCA2):c.9340A>G (p.Ile3114Val)

Gene: BRCA2 (BRCA2 DNA repair associated; plus strand). Cytogenetic location: 13q13.1.
Variant type: single nucleotide variant.
Coding change: c.9340A>G on transcript NM_000059.4 (MANE Select); coding-DNA position 9340, A replaced by G.
Protein change: p.Ile3114Val; replaces isoleucine 3114 with valine.
Molecular consequence: missense variant.
Genome position (GRCh38, 1-based): chr13:32,394,772, A>G. VCF-style: chr13-32394772-A-G. GRCh37 (hg19) VCF-style: chr13-32968909-A-G.
Other names: short protein forms I3114V.
Identifiers: ClinVar variation 656571 (VCV000656571.16), dbSNP rs1555289545, ClinGen allele CA387761045.